The following is an entry in ClinVar:

NM_004448.4(ERBB2):c.579C>G (p.His193Gln)

Gene: ERBB2 (erb-b2 receptor tyrosine kinase 2; plus strand). Cytogenetic location: 17q12.
Variant type: single nucleotide variant.
Coding change: c.579C>G on transcript NM_004448.4 (MANE Select); coding-DNA position 579, C replaced by G.
Protein change: p.His193Gln; replaces histidine 193 with glutamine.
Molecular consequence: missense variant. On other transcripts: non-coding transcript variant (1), intron variant (2).
Genome position (GRCh38, 1-based): chr17:39,709,817, C>G. VCF-style: chr17-39709817-C-G. GRCh37 (hg19) VCF-style: chr17-37866070-C-G.
Other names: c.489C>G, p.His163Gln (NM_001005862.3, NM_001289938.2, NM_001382782.1 and 1 more transcripts); c.534C>G, p.His178Gln (NM_001289936.2); c.579C>G, p.His193Gln (NM_001289937.2, NM_001382784.1, NM_001382785.1 and 17 more transcripts); c.654C>G, p.His218Gln (NM_001382787.1); c.570C>G, p.His190Gln (NM_001382791.1); c.440-41C>G (NM_001382799.1); c.74-2111C>G (NM_001382804.1); short protein forms H178Q, H193Q, H190Q, H218Q, H163Q.
Identifiers: ClinVar variation 3715181 (VCV003715181.2).

ClinVar aggregate classification (germline): Uncertain significance (1 of 4 stars; one submission).

Submission:

Labcorp Genetics (formerly Invitae), Labcorp
Classification: Uncertain significance. Last evaluated: 2024-10-29. Review status: criteria provided, single submitter. Criteria: Invitae Variant Classification Sherloc (09022015). Collection method: clinical testing. Allele origin: germline.
Comment: This sequence change replaces histidine, which is basic and polar, with glutamine, which is neutral and polar, at codon 193 of the ERBB2 protein (p.His193Gln). This variant is present in population databases (rs769335702, gnomAD 0.007%). This variant has not been reported in the literature in individuals affected with ERBB2-related conditions. Invitae Evidence Modeling of protein sequence and biophysical properties (such as structural, functional, and spatial information, amino acid conservation, physicochemical variation, residue mobility, and thermodynamic stability) indicates that this missense variant is not expected to disrupt ERBB2 protein function with a negative predictive value of 80%. In summary, the available evidence is currently insufficient to determine the role of this variant in disease. Therefore, it has been classified as a Variant of Uncertain Significance.